The following is an entry in ClinVar:

NM_001999.4(FBN2):c.8082C>A (p.His2694Gln)

Gene: FBN2 (fibrillin 2; minus strand). Cytogenetic location: 5q23.3.
Variant type: single nucleotide variant.
Coding change: c.8082C>A on transcript NM_001999.4 (MANE Select); coding-DNA position 8082, C replaced by A.
Protein change: p.His2694Gln; replaces histidine 2694 with glutamine.
Molecular consequence: missense variant.
Genome position (GRCh38, 1-based): chr5:128,263,535, G>T on the plus strand (C>A on the coding strand, the complement: FBN2 is on the minus strand). VCF-style: chr5-128263535-G-T. GRCh37 (hg19) VCF-style: chr5-127599227-G-T.
Other names: short protein forms H2694Q.
Identifiers: ClinVar variation 213254 (VCV000213254.80), dbSNP rs142755118, ClinGen allele CA323605.

ClinVar aggregate classification (germline): Conflicting classifications of pathogenicity. Review status: criteria provided, conflicting classifications (1 of 4 stars). 13 submissions from 13 submitters: Uncertain significance (2); Likely benign (8). 3 of the submissions do not count toward it. Last evaluated 2026-01-27.

Conditions:
FBN2-related disorder. Also called: FBN2-related condition.
Familial thoracic aortic aneurysm and aortic dissection (TAAD). Also called: Thoracic aortic aneurysms and dissections. Identifiers: Orphanet 91387, MedGen C4707243, MONDO:0019625.
Ehlers-Danlos syndrome (EDS). Identifiers: Orphanet 98249, MedGen C0013720, MONDO:0020066.
Congenital contractural arachnodactyly (CCA). Also called: BEALS SYNDROME; Beals-Hecht syndrome; Arthrogryposis, distal, type 9. Identifiers: Orphanet 115, MedGen C0220668, MONDO:0007363, OMIM 121050.

Allele frequency attached by ClinVar (database versions not stated): ESP Exome Variant Server 0.00038; TOPMed 0.00049.
gnomAD v4.1: 1,060 of 1,613,992 alleles (0.066%); highest among the groups gnomAD compares: Non-Finnish European, 0.085%; 1 homozygote.

Submissions (13):

Labcorp Genetics (formerly Invitae), Labcorp
Classification: Likely benign for Congenital contractural arachnodactyly. Last evaluated: 2026-01-27. Review status: criteria provided, single submitter. Criteria: Invitae Variant Classification Sherloc (09022015). Collection method: clinical testing. Allele origin: germline.

CeGaT Center for Human Genetics Tuebingen
Classification: Likely benign. Last evaluated: 2025-07-01. Review status: criteria provided, single submitter. Criteria: CeGaT Center For Human Genetics Tuebingen Variant Classification Criteria Version 2. Collection method: clinical testing. Allele origin: germline. Affected: yes. Observed: 9 variant alleles.
Comment: FBN2: BS1

ARUP Laboratories, Molecular Genetics and Genomics, ARUP Laboratories
Classification: Uncertain significance. Last evaluated: 2024-11-22. Review status: criteria provided, single submitter. Criteria: ARUP Molecular Germline Variant Investigation Process 2024. Collection method: clinical testing. Allele origin: germline.
Comment: The FBN2 c.8082C>A; p.His2694Gln variant (rs142755118), to our knowledge, is not reported in the medical literature but is reported in ClinVar (Variation ID: 213254). This variant is found in the non-Finnish European population with an allele frequency of 0.07% (94/129026 alleles) in the Genome Aggregation Database (v2.1.1). Computational analyses are uncertain whether this variant is neutral or deleterious (REVEL: 0.319). While the high population frequency suggests that this is likely a benign variant, given the lack of clinical and functional data, the clinical significance of the p.His2694Gln variant is uncertain at this time.

Blueprint Genetics
Classification: Likely benign. Last evaluated: 2024-03-15. Review status: criteria provided, single submitter. Criteria: ACMG Guidelines, 2015. Collection method: clinical testing. Allele origin: germline.

Women's Health and Genetics/Laboratory Corporation of America, LabCorp
Classification: Likely benign. Last evaluated: 2023-08-24. Review status: criteria provided, single submitter. Criteria: LabCorp Variant Classification Summary - May 2015. Collection method: clinical testing. Allele origin: germline.

Genome Diagnostics Laboratory, The Hospital for Sick Children
Classification: Likely benign for Ehlers-Danlos syndrome. Last evaluated: 2021-08-26. Review status: criteria provided, single submitter. Criteria: ACMG Guidelines, 2015. Collection method: clinical testing. Allele origin: germline.

Ambry Genetics
Classification: Likely benign for Familial thoracic aortic aneurysm and aortic dissection. Last evaluated: 2020-11-17. Review status: criteria provided, single submitter. Criteria: Ambry Variant Classification Scheme 2023. Collection method: clinical testing. Allele origin: germline.

GeneDx
Classification: Likely benign. Last evaluated: 2020-10-06. Review status: criteria provided, single submitter. Criteria: GeneDx Variant Classification Process June 2021. Collection method: clinical testing. Allele origin: germline. Affected: yes.
Comment: Has not been previously published as pathogenic or benign to our knowledge; Reported in ClinVar (ClinVar Variant ID# 213254; Landrum et al., 2016); In silico analysis, which includes protein predictors and evolutionary conservation, supports that this variant does not alter protein structure/function

Illumina Laboratory Services, Illumina
Classification: Likely benign for Congenital contractural arachnodactyly. Last evaluated: 2018-01-13. Review status: criteria provided, single submitter. Criteria: ICSL Variant Classification Criteria 13 December 2019. Collection method: clinical testing. Allele origin: germline.
Comment: This variant was observed in the ICSL laboratory as part of a predisposition screen in an ostensibly healthy population. It had not been previously curated by ICSL or reported in the Human Gene Mutation Database (HGMD: prior to June 1st, 2018), and was therefore a candidate for classification through an automated scoring system. Utilizing variant allele frequency, disease prevalence and penetrance estimates, and inheritance mode, an automated score was calculated to assess if this variant is too frequent to cause the disease. Based on the score and internal cut-off values, a variant classified as likely benign is not then subjected to further curation. The score for this variant resulted in a classification of likely benign for this disease.

Eurofins Ntd Llc (ga)
Classification: Uncertain significance. Last evaluated: 2016-12-08. Review status: criteria provided, single submitter. Criteria: EGL Classification Definitions 2015. Collection method: clinical testing. Allele origin: germline. Observed: 2 variant alleles, 2 heterozygotes.

PreventionGenetics, part of Exact Sciences
Classification: Likely benign for FBN2-related condition. Last evaluated: 2023-12-11. Review status: no assertion criteria provided. Collection method: clinical testing. Allele origin: germline. Not counted in ClinVar's aggregate classification.
Comment: This variant is classified as likely benign based on ACMG/AMP sequence variant interpretation guidelines (Richards et al. 2015 PMID: 25741868, with internal and published modifications).

Genome Diagnostics Laboratory, University Medical Center Utrecht
Classification: Likely benign. Review status: no assertion criteria provided. Collection method: clinical testing. Allele origin: germline. Affected: yes. Study: VKGL Data-share Consensus. Not counted in ClinVar's aggregate classification.

Joint Genome Diagnostic Labs from Nijmegen and Maastricht, Radboudumc and MUMC+
Classification: Likely benign. Review status: no assertion criteria provided. Collection method: clinical testing. Allele origin: germline. Affected: yes. Study: VKGL Data-share Consensus. Not counted in ClinVar's aggregate classification.